The following is an entry in ClinVar:

ClinVar aggregate classification (germline): Conflicting classifications of pathogenicity. Review status: criteria provided, conflicting classifications (1 of 4 stars). 4 submissions from 4 submitters: Uncertain significance (1); Likely benign (3). Last evaluated 2024-07-10.

Conditions:
Mismatch repair cancer syndrome 3. Identifiers: MedGen C5436807, MONDO:0030841, OMIM 619097.

Submissions (4):

Blueprint Genetics
Classification: Likely benign. Last evaluated: 2024-07-10. Review status: criteria provided, single submitter. Criteria: ACMG Guidelines, 2015. Collection method: clinical testing. Allele origin: germline.

Department of Pathology and Laboratory Medicine, Sinai Health System
Classification: Likely benign for Mismatch repair cancer syndrome 3. Last evaluated: 2023-06-22. Review status: criteria provided, single submitter. Criteria: ACMG Guidelines, 2015. Collection method: clinical testing. Allele origin: germline. Affected: yes.

GeneDx
Classification: Likely benign. Last evaluated: 2019-02-28. Review status: criteria provided, single submitter. Criteria: GeneDx Variant Classification Process June 2021. Collection method: clinical testing. Allele origin: germline. Affected: yes.

Women's Health and Genetics/Laboratory Corporation of America, LabCorp
Classification: Uncertain significance. Last evaluated: 2016-10-21. Review status: criteria provided, single submitter. Criteria: LabCorp Variant Classification Summary - May 2015. Collection method: clinical testing. Allele origin: germline.
Comment: Variant summary: The MSH6 c.3557-7_3557-4delTTTT variant involves the deletion of multiple non-conserved intronic nucleotides. One in silico tool predicts a benign outcome for this variant. 5/5 splice prediction tools predict no significant impact on normal splicing. However, these predictions have yet to be confirmed by functional studies. This variant was found in 2/90548 control chromosomes at a frequency of 0.0000221, which does not exceed the estimated maximal expected allele frequency of a pathogenic MSH6 variant (0.0001421). The variant of interest has not, to our knowledge, been reported in affected individuals via publications and/or reputable clinical diagnostic laboratories. The variant has been cited by one database with a classification of "UV." Because of the absence of clinical information and the lack of functional studies, the variant is classified as a Variant of Uncertain Significance (VUS), until additional information becomes available.

NM_000179.3(MSH6):c.3557-7_3557-4del

Gene: MSH6 (mutS homolog 6; plus strand). Cytogenetic location: 2p16.3.
Variant type: Deletion.
Coding change: c.3557-7_3557-4del on transcript NM_000179.3 (MANE Select); 7 bases into the intron before coding-DNA position 3557 through 4 bases into the intron before coding-DNA position 3557, 4 bases deleted (TTTT; older notation c.3557-7_3557-4delTTTT).
Molecular consequence: intron variant.
Genome position (GRCh38, 1-based): chr2:47,805,611-47,805,614, TTTT deleted; deleting any 4 consecutive bases within chr2:47,805,602-47,805,614 gives the same sequence; the c. name uses the placement nearest the transcript's 3' end. VCF-style (leftmost placement, unchanged base first): chr2-47805601-ATTTT-A. GRCh37 (hg19) VCF-style: chr2-48032740-ATTTT-A.
Other names: c.2651-7_2651-4del (NM_001281493.2, NM_001281494.2); c.3167-7_3167-4del (NM_001281492.2); c.3557-7_3557-4delTTTT (NM_000179.2).
Identifiers: ClinVar variation 419602 (VCV000419602.7), dbSNP rs267608102, ClinGen allele CA071294.
Genomic context (GRCh38, chr2:47,805,601, plus strand): 5'-CTATATAACCTAGAAGATGAATTTATGTAATATGATTTGCAAAATGAGTATTCATTTGTG[ATTTT>A]TTTTTTTTTAAGGTGAAAGTACATTTTTTGTTGAATTAAGTGAAACTGCCAGCATACTCA-3'